The following is an entry in ClinVar:

NM_017946.4(FKBP14):c.36_37del (p.Phe13fs)

Genes: FKBP14-AS1 (FKBP14 antisense RNA 1; plus strand), FKBP14 (FKBP prolyl isomerase 14; minus strand). Cytogenetic location: 7p14.3.
Variant type: Deletion.
Coding change: c.36_37del on transcript NM_017946.4 (MANE Select); coding-DNA positions 36 to 37, 2 bases deleted (GT; older notation c.36_37delGT).
Protein change: p.Phe13fs; shifts the reading frame from phenylalanine 13.
Molecular consequence: frameshift variant. On other transcripts: non-coding transcript variant (3).
Genome position (GRCh38, 1-based): chr7:30,026,472-30,026,473, AC deleted on the plus strand (GT on the coding strand, the reverse complement: FKBP14 is on the minus strand); deleting any 2 consecutive bases within chr7:30,026,472-30,026,474 gives the same sequence; the c. name uses the placement nearest the transcript's 3' end. VCF-style (leftmost placement, unchanged base first): chr7-30026471-AAC-A. GRCh37 (hg19) VCF-style: chr7-30066087-AAC-A.
Other names: short protein forms F13fs.
Identifiers: ClinVar variation 3689717 (VCV003689717.2).
Genomic context (GRCh38, chr7:30,026,471, plus strand): 5'-TGGAGAACTTCAATTTTCACTTCTGGTTCAGGGATCAAAGCCCCAATCAAAGAAGTGACG[AAC>A]AGAGTCAAGACCGCGTTCCACAAGAAAAGCCTCATGTTGCTGAAGCAAGGAAAGAAGTCC-3'

ClinVar aggregate classification (germline): Pathogenic (1 of 4 stars; one submission).

Conditions:
Ehlers-Danlos syndrome, kyphoscoliotic type, 2. Also called: FKBP14-Kyphoscoliotic Ehlers-Danlos Syndrome; Ehlers-Danlos syndrome, kyphoscoliotic and deafness type; Ehlers-Danlos syndrome with progressive kyphoscoliosis, myopathy, and hearing loss. Identifiers: Orphanet 300179, MedGen C3281160, MONDO:0013800, OMIM 614557.

Submission:

Labcorp Genetics (formerly Invitae), Labcorp
Classification: Pathogenic for Ehlers-Danlos syndrome, kyphoscoliotic type, 2. Last evaluated: 2024-11-19. Review status: criteria provided, single submitter. Criteria: Invitae Variant Classification Sherloc (09022015). Collection method: clinical testing. Allele origin: germline.
Comment: This sequence change creates a premature translational stop signal (p.Phe13Argfs*11) in the FKBP14 gene. It is expected to result in an absent or disrupted protein product. Loss-of-function variants in FKBP14 are known to be pathogenic (PMID: 22265013). This variant is not present in population databases (gnomAD no frequency). This variant has not been reported in the literature in individuals affected with FKBP14-related conditions. For these reasons, this variant has been classified as Pathogenic.

Literature cited by the submitters: PubMed 22265013.